The following is an entry in ClinVar:

ClinVar aggregate classification (germline): Uncertain significance (1 of 4 stars; one submission).

gnomAD v4.1: 3 of 1,613,716 alleles (0.00019%); highest among the groups gnomAD compares: African/African-American, 0.0013%; no homozygotes.

Submission:

Labcorp Genetics (formerly Invitae), Labcorp
Classification: Uncertain significance. Last evaluated: 2025-06-14. Review status: criteria provided, single submitter. Criteria: Invitae Variant Classification Sherloc (09022015). Collection method: clinical testing. Allele origin: germline.
Comment: This sequence change falls in intron 16 of the COL9A2 gene. It does not directly change the encoded amino acid sequence of the COL9A2 protein. It affects a nucleotide within the consensus splice site. This variant is not present in population databases (gnomAD no frequency). This variant has not been reported in the literature in individuals affected with COL9A2-related conditions. Variants that disrupt the consensus splice site are a relatively common cause of aberrant splicing (PMID: 17576681, 9536098). Algorithms developed to predict the effect of sequence changes on RNA splicing suggest that this variant is not likely to affect RNA splicing. In summary, the available evidence is currently insufficient to determine the role of this variant in disease. Therefore, it has been classified as a Variant of Uncertain Significance.

Literature cited by the submitters: PubMed 17576681; PubMed 9536098.

NM_001852.4(COL9A2):c.847-3C>T

Gene: COL9A2 (collagen type IX alpha 2 chain; minus strand). Cytogenetic location: 1p34.2.
Variant type: single nucleotide variant.
Coding change: c.847-3C>T on transcript NM_001852.4 (MANE Select); 3 bases into the intron before coding-DNA position 847, C replaced by T.
Molecular consequence: intron variant.
Genome position (GRCh38, 1-based): chr1:40,308,248, G>A on the plus strand (C>T on the coding strand, the complement: COL9A2 is on the minus strand). VCF-style: chr1-40308248-G-A. GRCh37 (hg19) VCF-style: chr1-40773920-G-A.
Identifiers: ClinVar variation 4738494 (VCV004738494.1).
Genomic context (GRCh38, chr1:40,308,248, plus strand): 5'-CTACCGTTGCTCCTTTCGGGCCTGTGATCCCCTGGGGTCCACGAATACCTGGGCTGCCCT[G>A]CAAAGCGGAGAGAGATCAGGTCACCCTCAGGATGTTGGGCCCCTGTCTGGCTGTGCAGAG-3'